The following is an entry in ClinVar:

ClinVar aggregate classification (germline): Uncertain significance (1 of 4 stars; one submission).

gnomAD v4.1: 2 of 1,183,740 alleles (0.00017%); highest among the groups gnomAD compares: Non-Finnish European, 0.00021%; no homozygotes.

Submission:

Labcorp Genetics (formerly Invitae), Labcorp
Classification: Uncertain significance. Last evaluated: 2024-10-22. Review status: criteria provided, single submitter. Criteria: Invitae Variant Classification Sherloc (09022015). Collection method: clinical testing. Allele origin: germline.
Comment: This sequence change replaces alanine, which is neutral and non-polar, with valine, which is neutral and non-polar, at codon 30 of the DEAF1 protein (p.Ala30Val). This variant is not present in population databases (gnomAD no frequency). This variant has not been reported in the literature in individuals affected with DEAF1-related conditions. ClinVar contains an entry for this variant (Variation ID: 1366047). Invitae Evidence Modeling of protein sequence and biophysical properties (such as structural, functional, and spatial information, amino acid conservation, physicochemical variation, residue mobility, and thermodynamic stability) indicates that this missense variant is not expected to disrupt DEAF1 protein function with a negative predictive value of 80%. In summary, the available evidence is currently insufficient to determine the role of this variant in disease. Therefore, it has been classified as a Variant of Uncertain Significance.

NM_021008.4(DEAF1):c.89C>T (p.Ala30Val)

Gene: DEAF1 (DEAF1 transcription factor; minus strand). Cytogenetic location: 11p15.5.
Variant type: single nucleotide variant.
Coding change: c.89C>T on transcript NM_021008.4 (MANE Select); coding-DNA position 89, C replaced by T.
Protein change: p.Ala30Val; replaces alanine 30 with valine.
Molecular consequence: missense variant. On other transcripts: intron variant (1).
Genome position (GRCh38, 1-based): chr11:694,959, G>A on the plus strand (C>T on the coding strand, the complement: DEAF1 is on the minus strand). VCF-style: chr11-694959-G-A. GRCh37 (hg19) VCF-style: chr11-694959-G-A.
Other names: c.89C>T, p.Ala30Val (NM_001293634.2); c.-437-3361C>T (NM_001367390.1); short protein forms A30V.
Identifiers: ClinVar variation 1366047 (VCV001366047.8), dbSNP rs2133439391, ClinGen allele CA378940229.